The following is an entry in ClinVar:

ClinVar aggregate classification (germline): Benign/Likely benign. Review status: criteria provided, multiple submitters, no conflicts (2 of 4 stars). 4 submissions from 4 submitters: Benign (1); Likely benign (2). 1 of the submissions does not count toward it. Last evaluated 2026-01-13.

Conditions:
Osteogenesis imperfecta type 9 (OI9). Also called: Oi type IX; OI 9; Osteogenesis imperfecta sillence type II/III without abnormality of type I collagen. Identifiers: MedGen C1850169, MONDO:0009805, OMIM 259440.
PPIB-related disorder. Also called: PPIB-related condition.

Allele frequency attached by ClinVar (database versions not stated): gnomAD 0.00015 and 0.00021; TOPMed 0.00027; ExAC 0.00065; 1000 Genomes Project 30x 0.00156; 1000 Genomes Project 0.00160.

Submissions (4):

Labcorp Genetics (formerly Invitae), Labcorp
Classification: Benign. Last evaluated: 2026-01-13. Review status: criteria provided, single submitter. Criteria: Invitae Variant Classification Sherloc (09022015). Collection method: clinical testing. Allele origin: germline.

GeneDx
Classification: Likely benign. Last evaluated: 2018-06-01. Review status: criteria provided, single submitter. Criteria: GeneDx Variant Classification (06012015). Collection method: clinical testing. Allele origin: germline. Affected: yes.
Comment: This variant is considered likely benign or benign based on one or more of the following criteria: it is a conservative change, it occurs at a poorly conserved position in the protein, it is predicted to be benign by multiple in silico algorithms, and/or has population frequency not consistent with disease.

Illumina Laboratory Services, Illumina
Classification: Likely benign for Osteogenesis imperfecta type 9. Last evaluated: 2018-01-13. Review status: criteria provided, single submitter. Criteria: ICSL Variant Classification Criteria 13 December 2019. Collection method: clinical testing. Allele origin: germline.
Comment: This variant was observed in the ICSL laboratory as part of a predisposition screen in an ostensibly healthy population. It had not been previously curated by ICSL or reported in the Human Gene Mutation Database (HGMD: prior to June 1st, 2018), and was therefore a candidate for classification through an automated scoring system. Utilizing variant allele frequency, disease prevalence and penetrance estimates, and inheritance mode, an automated score was calculated to assess if this variant is too frequent to cause the disease. Based on the score and internal cut-off values, a variant classified as likely benign is not then subjected to further curation. The score for this variant resulted in a classification of likely benign for this disease.

PreventionGenetics, part of Exact Sciences
Classification: Benign for PPIB-related condition. Last evaluated: 2019-09-17. Review status: no assertion criteria provided. Collection method: clinical testing. Allele origin: germline. Not counted in ClinVar's aggregate classification.
Comment: This variant is classified as benign based on ACMG/AMP sequence variant interpretation guidelines (Richards et al. 2015 PMID: 25741868, with internal and published modifications).

NM_000942.5(PPIB):c.85G>A (p.Gly29Arg)

Gene: PPIB (peptidylprolyl isomerase B; minus strand). Cytogenetic location: 15q22.31.
Variant type: single nucleotide variant.
Coding change: c.85G>A on transcript NM_000942.5 (MANE Select); coding-DNA position 85, G replaced by A.
Protein change: p.Gly29Arg; replaces glycine 29 with arginine.
Molecular consequence: missense variant.
Genome position (GRCh38, 1-based): chr15:64,162,902, C>T on the plus strand (G>A on the coding strand, the complement: PPIB is on the minus strand). VCF-style: chr15-64162902-C-T. GRCh37 (hg19) VCF-style: chr15-64455101-C-T.
Other names: short protein forms G29R.
Identifiers: ClinVar variation 669151 (VCV000669151.14), dbSNP rs200307684, ClinGen allele CA7608621.